The following is an entry in ClinVar:

NM_001035.3(RYR2):c.11865G>C (p.Gln3955His)

Gene: RYR2 (ryanodine receptor 2; plus strand). Cytogenetic location: 1q43.
Variant type: single nucleotide variant.
Coding change: c.11865G>C on transcript NM_001035.3 (MANE Select); coding-DNA position 11865, G replaced by C.
Protein change: p.Gln3955His; replaces glutamine 3955 with histidine.
Molecular consequence: missense variant.
Genome position (GRCh38, 1-based): chr1:237,778,755, G>C. VCF-style: chr1-237778755-G-C. GRCh37 (hg19) VCF-style: chr1-237942055-G-C.
Other names: c.11865G>C, p.Gln3955His (LRG_402t1); short protein forms Q3955H.
Identifiers: ClinVar variation 654125 (VCV000654125.10), dbSNP rs1573911593, ClinGen allele CA345409520.
Genomic context (GRCh38, chr1:237,778,755, plus strand): 5'-GGCACACAGCAGGCTGTGGGATGCTGTGGTCGGCTTTCTTCATGTGTTTGCCCATATGCA[G>C]ATGAAGCTGTCGCAGGTAAACTAACTAACTGCCTTCCTCTCTCTTAAATGACAAACTGGA-3'
Protein context (NP_001026.2, residues 3945-3965): VGFLHVFAHM[Gln3955His]MKLSQDSSQI

ClinVar aggregate classification (germline): Likely pathogenic (1 of 4 stars; one submission).

Conditions:
Catecholaminergic polymorphic ventricular tachycardia 1. Also called: RYR2-Related Catecholaminergic Polymorphic Ventricular Tachycardia; VENTRICULAR TACHYCARDIA, CATECHOLAMINERGIC POLYMORPHIC, 1, WITH OR WITHOUT ATRIAL DYSFUNCTION AND/OR DILATED CARDIOMYOPATHY; VENTRICULAR TACHYCARDIA, STRESS-INDUCED POLYMORPHIC 1. Identifiers: Orphanet 3286, MedGen C1631597, MONDO:0011484, OMIM 604772.

Submission:

Labcorp Genetics (formerly Invitae), Labcorp
Classification: Likely pathogenic for Catecholaminergic polymorphic ventricular tachycardia 1. Last evaluated: 2022-11-29. Review status: criteria provided, single submitter. Criteria: Invitae Variant Classification Sherloc (09022015). Collection method: clinical testing. Allele origin: germline.
Comment: This sequence change replaces glutamine, which is neutral and polar, with histidine, which is basic and polar, at codon 3955 of the RYR2 protein (p.Gln3955His). This variant is not present in population databases (gnomAD no frequency). This variant has not been reported in the literature in individuals affected with RYR2-related conditions. ClinVar contains an entry for this variant (Variation ID: 654125). Advanced modeling of protein sequence and biophysical properties (such as structural, functional, and spatial information, amino acid conservation, physicochemical variation, residue mobility, and thermodynamic stability) performed at Invitae indicates that this missense variant is expected to disrupt RYR2 protein function. This variant disrupts the p.Gln3955 amino acid residue in RYR2. Other variant(s) that disrupt this residue have been determined to be pathogenic (Invitae). This suggests that this residue is clinically significant, and that variants that disrupt this residue are likely to be disease-causing. In summary, the currently available evidence indicates that the variant is pathogenic, but additional data are needed to prove that conclusively. Therefore, this variant has been classified as Likely Pathogenic.